The following is an entry in ClinVar:

ClinVar aggregate classification (germline): Conflicting classifications of pathogenicity. Review status: criteria provided, conflicting classifications (1 of 4 stars). 2 submissions from 2 submitters: Uncertain significance (1); Likely benign (1). Last evaluated 2025-04-07.

Allele frequency attached by ClinVar (database versions not stated): gnomAD 0.00004 and 0.00005; gnomAD exomes 0.00004 and 0.00014; ExAC 0.00005; TOPMed 0.00006; 1000 Genomes Project 30x 0.00016; 1000 Genomes Project 0.00020.
gnomAD v4.1: 203 of 1,614,126 alleles (0.013%); highest among the groups gnomAD compares: Middle Eastern, 0.016%; no homozygotes.

Submissions (2):

Labcorp Genetics (formerly Invitae), Labcorp
Classification: Uncertain significance. Last evaluated: 2025-04-07. Review status: criteria provided, single submitter. Criteria: Invitae Variant Classification Sherloc (09022015). Collection method: clinical testing. Allele origin: germline.
Comment: This sequence change replaces arginine, which is basic and polar, with histidine, which is basic and polar, at codon 382 of the TAB2 protein (p.Arg382His). This variant is present in population databases (rs532837920, gnomAD 0.01%). This variant has not been reported in the literature in individuals affected with TAB2-related conditions. ClinVar contains an entry for this variant (Variation ID: 1461000). Invitae Evidence Modeling of protein sequence and biophysical properties (such as structural, functional, and spatial information, amino acid conservation, physicochemical variation, residue mobility, and thermodynamic stability) indicates that this missense variant is not expected to disrupt TAB2 protein function with a negative predictive value of 80%. In summary, the available evidence is currently insufficient to determine the role of this variant in disease. Therefore, it has been classified as a Variant of Uncertain Significance.

Blueprint Genetics
Classification: Likely benign. Last evaluated: 2019-12-04. Review status: criteria provided, single submitter. Criteria: ACMG Guidelines, 2015. Collection method: clinical testing. Allele origin: germline.

NM_001292034.3(TAB2):c.1145G>A (p.Arg382His)

Genes: TAB2 (TGF-beta activated kinase 1 (MAP3K7) binding protein 2; plus strand), LOC126859827 (BRD4-independent group 4 enhancer GRCh37_chr6:149699707-149700906; plus strand). Cytogenetic location: 6q25.1.
Variant type: single nucleotide variant.
Coding change: c.1145G>A on transcript NM_001292034.3 (MANE Select); coding-DNA position 1145, G replaced by A.
Protein change: p.Arg382His; replaces arginine 382 with histidine.
Molecular consequence: missense variant.
Genome position (GRCh38, 1-based): chr6:149,379,060, G>A. VCF-style: chr6-149379060-G-A. GRCh37 (hg19) VCF-style: chr6-149700196-G-A.
Other names: c.1049G>A, p.Arg350His (NM_001292035.3); c.1145G>A, p.Arg382His (NM_001369506.1, NM_015093.6); short protein forms R382H, R350H.
Identifiers: ClinVar variation 1461000 (VCV001461000.7), dbSNP rs532837920, ClinGen allele CA4041497.